The following is an entry in ClinVar:

NM_032830.3(UTP4):c.1220A>G (p.Tyr407Cys)

Gene: UTP4 (UTP4 small subunit processome component). Cytogenetic location: 16q22.1.
Variant type: single nucleotide variant.
Coding change: c.1220A>G on transcript NM_032830.3 (MANE Select); coding-DNA position 1220, A replaced by G.
Protein change: p.Tyr407Cys; replaces tyrosine 407 with cysteine.
Molecular consequence: missense variant.
Genome position (GRCh38, 1-based): chr16:69,155,926, A>G. VCF-style: chr16-69155926-A-G. GRCh37 (hg19) VCF-style: chr16-69189829-A-G.
Other names: c.971A>G, p.Tyr324Cys (NM_001318391.2); short protein forms Y324C, Y407C.
Identifiers: ClinVar variation 4979970 (VCV004979970.1).

ClinVar aggregate classification (germline): Uncertain significance (1 of 4 stars; one submission).

Conditions:
UTP4-related disorder. Also called: UTP4-related condition.

gnomAD v4.1: 4 of 1,613,816 alleles (0.00025%); highest among the groups gnomAD compares: South Asian, 0.0011%; no homozygotes.

Submission:

PreventionGenetics, part of Exact Sciences
Classification: Uncertain significance for UTP4-related condition. Last evaluated: 2026-07-05. Review status: criteria provided, single submitter. Criteria: ACMG Guidelines, 2015. Collection method: clinical testing. Allele origin: germline.
Comment: The UTP4 c.1220A>G variant is predicted to result in the amino acid substitution p.Tyr407Cys. To our knowledge, this variant has not been reported in the literature. This variant is reported in 0.0062% of alleles in individuals of African descent in gnomAD. At this time, the clinical significance of this variant is uncertain due to the absence of conclusive functional and genetic evidence.